The following is an entry in ClinVar:

NM_013314.4(BLNK):c.49C>A (p.Gln17Lys)

Gene: BLNK (B cell linker; minus strand). Cytogenetic location: 10q24.1.
Variant type: single nucleotide variant.
Coding change: c.49C>A on transcript NM_013314.4 (MANE Select); coding-DNA position 49, C replaced by A.
Protein change: p.Gln17Lys; replaces glutamine 17 with lysine.
Molecular consequence: missense variant. On other transcripts: non-coding transcript variant (4).
Genome position (GRCh38, 1-based): chr10:96,247,048, G>T on the plus strand (C>A on the coding strand, the complement: BLNK is on the minus strand). VCF-style: chr10-96247048-G-T. GRCh37 (hg19) VCF-style: chr10-98006804-G-T.
Other names: c.49C>A, p.Gln17Lys (NM_001114094.2, NM_001258440.2, NM_001258441.2 and 1 more transcripts); c.49C>A (NM_013314.3); short protein forms Q17K.
Identifiers: ClinVar variation 1383827 (VCV001383827.4), dbSNP rs782515867, ClinGen allele CA5623615.

ClinVar aggregate classification (germline): Uncertain significance. Review status: criteria provided, multiple submitters, no conflicts (2 of 4 stars). 2 submissions from 2 submitters: Uncertain significance (2). Last evaluated 2023-02-23.

Conditions:
Inborn genetic diseases. Identifiers: MedGen C0950123, MeSH D030342.
Agammaglobulinemia 4, autosomal recessive (AGM4). Also called: AGAMMAGLOBULINEMIA, AUTOSOMAL RECESSIVE, DUE TO BLNK DEFECT; B cell linker protein deficiency. Identifiers: MedGen C3150752, MONDO:0013289, OMIM 613502.

Allele frequency attached by ClinVar (database versions not stated): ExAC 0.00001; gnomAD 0.00001; gnomAD exomes 0.00001; TOPMed 0.00002.
gnomAD v4.1: 51 of 1,598,790 alleles (0.0032%); highest among the groups gnomAD compares: Non-Finnish European, 0.0043%; no homozygotes.

Submissions (2):

Ambry Genetics
Classification: Uncertain significance for Inborn genetic diseases. Last evaluated: 2023-02-23. Review status: criteria provided, single submitter. Criteria: Ambry Variant Classification Scheme 2023. Collection method: clinical testing. Allele origin: germline.

Labcorp Genetics (formerly Invitae), Labcorp
Classification: Uncertain significance for Agammaglobulinemia 4, autosomal recessive. Last evaluated: 2022-10-17. Review status: criteria provided, single submitter. Criteria: Invitae Variant Classification Sherloc (09022015). Collection method: clinical testing. Allele origin: germline.
Comment: This sequence change replaces glutamine, which is neutral and polar, with lysine, which is basic and polar, at codon 17 of the BLNK protein (p.Gln17Lys). This variant is present in population databases (rs782515867, gnomAD 0.003%). This variant has not been reported in the literature in individuals affected with BLNK-related conditions. ClinVar contains an entry for this variant (Variation ID: 1383827). Algorithms developed to predict the effect of missense changes on protein structure and function (SIFT, PolyPhen-2, Align-GVGD) all suggest that this variant is likely to be tolerated. In summary, the available evidence is currently insufficient to determine the role of this variant in disease. Therefore, it has been classified as a Variant of Uncertain Significance.